The following is an entry in ClinVar:

ClinVar aggregate classification (germline): Uncertain significance (1 of 4 stars; one submission).

Submission:

CeGaT Center for Human Genetics Tuebingen
Classification: Uncertain significance. Last evaluated: 2026-01-01. Review status: criteria provided, single submitter. Criteria: CeGaT Center For Human Genetics Tuebingen Variant Classification Criteria Version 2. Collection method: clinical testing. Allele origin: germline. Affected: yes. Observed: 1 variant allele.
Comment: TTN: PM2

NM_001267550.2(TTN):c.7930G>A (p.Ala2644Thr)

Gene: TTN (titin; minus strand). Cytogenetic location: 2q31.2.
Variant type: single nucleotide variant.
Coding change: c.7930G>A on transcript NM_001267550.2 (MANE Select); coding-DNA position 7930, G replaced by A.
Protein change: p.Ala2644Thr; replaces alanine 2644 with threonine.
Molecular consequence: missense variant.
Genome position (GRCh38, 1-based): chr2:178,771,397, C>T on the plus strand (G>A on the coding strand, the complement: TTN is on the minus strand). VCF-style: chr2-178771397-C-T. GRCh37 (hg19) VCF-style: chr2-179636124-C-T.
Other names: c.7930G>A, p.Ala2644Thr (NM_001256850.1, NM_133378.4, NM_133379.5); c.7792G>A, p.Ala2598Thr (NM_003319.4, NM_133432.3, NM_133437.4); short protein forms A2598T, A2644T.
Identifiers: ClinVar variation 4822150 (VCV004822150.4).